The following is an entry in ClinVar:

NM_001080442.3(SLC38A8):c.1030del (p.Leu344fs)

Gene: SLC38A8 (solute carrier family 38 member 8; minus strand). Cytogenetic location: 16q23.3.
Variant type: Deletion.
Coding change: c.1030del on transcript NM_001080442.3 (MANE Select); coding-DNA position 1030, one base deleted (C; older notation c.1030delC).
Protein change: p.Leu344fs; shifts the reading frame from leucine 344.
Molecular consequence: frameshift variant.
Genome position (GRCh38, 1-based): chr16:84,016,651, G deleted on the plus strand (C on the coding strand, the reverse complement: SLC38A8 is on the minus strand). VCF-style (leftmost placement, unchanged base first): chr16-84016650-AG-A. GRCh37 (hg19) VCF-style: chr16-84050255-AG-A.
Other names: short protein forms L344fs.
Identifiers: ClinVar variation 3898722 (VCV003898722.8).

ClinVar aggregate classification (germline): Pathogenic. Review status: criteria provided, multiple submitters, no conflicts (2 of 4 stars). 2 submissions from 2 submitters: Pathogenic (2). Last evaluated 2025-04-01.

Conditions:
SLC38A8-related disorder. Also called: SLC38A8-related condition.

Submissions (2):

CeGaT Center for Human Genetics Tuebingen
Classification: Pathogenic. Last evaluated: 2025-04-01. Review status: criteria provided, single submitter. Criteria: CeGaT Center For Human Genetics Tuebingen Variant Classification Criteria Version 2. Collection method: clinical testing. Allele origin: germline. Affected: yes. Observed: 1 variant allele.
Comment: SLC38A8: PVS1, PM2, PM3:Supporting

Blueprint Genetics
Classification: Pathogenic for SLC38A8-related disorders. Last evaluated: 2021-01-21. Review status: criteria provided, single submitter. Criteria: ACMG Guidelines, 2015. Collection method: clinical testing. Allele origin: germline. Affected: yes. Observed: 1 variant allele.